The following is an entry in ClinVar:

ClinVar aggregate classification (germline): Likely pathogenic (1 of 4 stars; one submission).

Conditions:
Glycogen storage disease type III (GSD3). Also called: FORBES DISEASE; Cori disease. Identifiers: Orphanet 366, MedGen C0017922, MONDO:0009291, OMIM 232400.

Submission:

Myriad Genetics, Inc.
Classification: Likely pathogenic for Glycogen storage disease type III. Last evaluated: 2021-12-29. Review status: criteria provided, single submitter. Criteria: Myriad Women's Health Autosomal Recessive and X-Linked Classification Criteria (2021). Collection method: clinical testing. Allele origin: unknown.
Comment: NM_000642.2(AGL):c.2277C>A(Y759*) is expected to be pathogenic in the context of glycogen storage disease type III. This variant is predicted to lead to an abnormal or absent protein product due to the creation of a premature termination codon in AGL, a gene where loss-of-function variants are known to be pathogenic. Please note: this variant was assessed in the context of healthy population screening.

NM_000642.3(AGL):c.2277C>A (p.Tyr759Ter)

Gene: AGL (amylo-alpha-1,6-glucosidase and 4-alpha-glucanotransferase; plus strand). Cytogenetic location: 1p21.2.
Variant type: single nucleotide variant.
Coding change: c.2277C>A on transcript NM_000642.3 (MANE Select); coding-DNA position 2277, C replaced by A.
Protein change: p.Tyr759Ter; replaces tyrosine 759 with a stop codon.
Molecular consequence: nonsense.
Genome position (GRCh38, 1-based): chr1:99,881,660, C>A. VCF-style: chr1-99881660-C-A. GRCh37 (hg19) VCF-style: chr1-100347216-C-A.
Other names: c.2229C>A, p.Tyr743Ter (NM_000646.3); c.2277C>A, p.Tyr759Ter (NM_001425325.1, NM_001425326.1, NM_000028.3 and 2 more transcripts); c.2076C>A, p.Tyr692Ter (NM_001425327.1); c.2073C>A, p.Tyr691Ter (NM_001425328.1, NM_001425329.1); c.1899C>A, p.Tyr633Ter (NM_001425332.1); short protein forms Y743*, Y759*, Y633*, Y691*, Y692*.
Identifiers: ClinVar variation 1726618 (VCV001726618.2), dbSNP rs2100760610, ClinGen allele CA341319997.
Genomic context (GRCh38, chr1:99,881,660, plus strand): 5'-CCATCAGTCTGTTGTGGCTGTATCTAGAACTGCTTTCAGGAATCCCAAGACTTCATTTTA[C>A]AGCAAGGAAGTGCCTCAAATGTGCATCCCTGGTAATGCAATCTAAAAATTGTTACTGTAT-3'